The following is an entry in ClinVar:

NM_001849.4(COL6A2):c.459C>T (p.Thr153=)

Gene: COL6A2 (collagen type VI alpha 2 chain; plus strand). Cytogenetic location: 21q22.3.
Variant type: single nucleotide variant.
Coding change: c.459C>T on transcript NM_001849.4 (MANE Select); coding-DNA position 459, C replaced by T.
Protein change: p.Thr153=; no amino-acid change (threonine 153 retained).
Molecular consequence: synonymous variant.
Genome position (GRCh38, 1-based): chr21:46,112,322, C>T. VCF-style: chr21-46112322-C-T. GRCh37 (hg19) VCF-style: chr21-47532236-C-T.
Other names: c.459C>T, p.Thr153= (NM_058174.3, NM_058175.3).
Identifiers: ClinVar variation 392279 (VCV000392279.20), dbSNP rs764014106, ClinGen allele CA10071297.

ClinVar aggregate classification (germline): Conflicting classifications of pathogenicity. Review status: criteria provided, conflicting classifications (1 of 4 stars). 4 submissions from 4 submitters: Uncertain significance (1); Likely benign (3). Last evaluated 2025-10-29.

Conditions:
Bethlem myopathy 1A. Also called: Bethlem myopathy 1; MYOPATHY, BENIGN CONGENITAL, WITH CONTRACTURES; Bethlem Muscular Dystrophy. Identifiers: Orphanet 610, MedGen CN029274, MONDO:0024530, OMIM 158810.
Collagen 6-related myopathy. Identifiers: MedGen CN117976, MONDO:0100225.

Allele frequency attached by ClinVar (database versions not stated): gnomAD exomes below 0.00001 and 0.00002; gnomAD 0.00001; TOPMed 0.00002; ExAC 0.00004.
gnomAD v4.1: 18 of 1,611,552 alleles (0.0011%); highest among the groups gnomAD compares: East Asian, 0.0022%; no homozygotes.

Submissions (4):

Labcorp Genetics (formerly Invitae), Labcorp
Classification: Likely benign for Bethlem myopathy 1A. Last evaluated: 2025-10-29. Review status: criteria provided, single submitter. Criteria: Invitae Variant Classification Sherloc (09022015). Collection method: clinical testing. Allele origin: germline.

GeneDx
Classification: Likely benign. Last evaluated: 2019-03-26. Review status: criteria provided, single submitter. Criteria: GeneDx Variant Classification Process June 2021. Collection method: clinical testing. Allele origin: germline. Affected: yes.

Illumina Laboratory Services, Illumina
Classification: Likely benign for Collagen VI-related myopathy. Last evaluated: 2018-01-13. Review status: criteria provided, single submitter. Criteria: ICSL Variant Classification Criteria 13 December 2019. Collection method: clinical testing. Allele origin: germline.
Comment: This variant was observed in the ICSL laboratory as part of a predisposition screen in an ostensibly healthy population. It had not been previously curated by ICSL or reported in the Human Gene Mutation Database (HGMD: prior to June 1st, 2018), and was therefore a candidate for classification through an automated scoring system. Utilizing variant allele frequency, disease prevalence and penetrance estimates, and inheritance mode, an automated score was calculated to assess if this variant is too frequent to cause the disease. Based on the score and internal cut-off values, a variant classified as likely benign is not then subjected to further curation. The score for this variant resulted in a classification of likely benign for this disease.

Eurofins Ntd Llc (ga)
Classification: Uncertain significance. Last evaluated: 2016-10-02. Review status: criteria provided, single submitter. Criteria: EGL Classification Definitions 2015. Collection method: clinical testing. Allele origin: germline. Observed: 2 variant alleles, 2 heterozygotes.